The following is an entry in ClinVar:

ClinVar aggregate classification (germline): Conflicting classifications of pathogenicity. Review status: criteria provided, conflicting classifications (1 of 4 stars). 9 submissions from 9 submitters: Uncertain significance (6); Likely benign (1). 2 of the submissions do not count toward it. Last evaluated 2025-11-22.

Conditions:
Hereditary cancer-predisposing syndrome. Also called: Neoplastic Syndromes, Hereditary; Tumor predisposition; Hereditary Cancer Syndrome; Hereditary neoplastic syndrome. Identifiers: Orphanet 140162, MedGen C0027672, MeSH D009386, MONDO:0015356.
Hereditary breast ovarian cancer syndrome. Also called: Hereditary breast and ovarian cancer syndrome; Hereditary breast and ovarian cancer; Hereditary breast and ovarian cancer syndrome (HBOC); Breast and ovarian cancer; Hereditary breast and/or ovarian cancer syndrome; BRCA1- and BRCA2-Associated Hereditary Breast and Ovarian Cancer. Identifiers: Orphanet 145, MedGen C0677776, MeSH D061325, MONDO:0003582. Disease mechanism: loss of function.
Breast-ovarian cancer, familial, susceptibility to, 2 (BROVCA2). Also called: BRCA2 Hereditary Breast and Ovarian Cancer. Identifiers: Orphanet 145, MedGen C2675520, MONDO:0012933, OMIM 612555. Disease mechanism: loss of function.

Allele frequency attached by ClinVar (database versions not stated): gnomAD exomes below 0.00001 and 0.00001.
gnomAD v4.1: 3 of 1,596,044 alleles (0.00019%); highest among the groups gnomAD compares: African/African-American, 0.0027%; no homozygotes.

Submissions (9):

Labcorp Genetics (formerly Invitae), Labcorp
Classification: Uncertain significance for Hereditary breast ovarian cancer syndrome. Last evaluated: 2025-11-22. Review status: criteria provided, single submitter. Criteria: Invitae Variant Classification Sherloc (09022015). Collection method: clinical testing. Allele origin: germline.
Comment: This sequence change replaces lysine, which is basic and polar, with glutamic acid, which is acidic and polar, at codon 1440 of the BRCA2 protein (p.Lys1440Glu). This variant is present in population databases (rs80358668, gnomAD 0.007%). This missense change has been observed in individual(s) with clinical features of BRCA2-related conditions (PMID: 10923033). ClinVar contains an entry for this variant (Variation ID: 51631). Invitae Evidence Modeling of protein sequence and biophysical properties (such as structural, functional, and spatial information, amino acid conservation, physicochemical variation, residue mobility, and thermodynamic stability) indicates that this missense variant is not expected to disrupt BRCA2 protein function with a negative predictive value of 95%. Experimental studies have shown that this missense change affects BRCA2 function (PMID: 23071527). In summary, the available evidence is currently insufficient to determine the role of this variant in disease. Therefore, it has been classified as a Variant of Uncertain Significance.

St. Jude Molecular Pathology, St. Jude Children's Research Hospital
Classification: Uncertain significance for Breast-ovarian cancer, familial, susceptibility to, 2. Last evaluated: 2025-02-05. Review status: criteria provided, single submitter. Criteria: St. Jude Assertion Criteria 2020. Collection method: clinical testing. Allele origin: germline.
Comment: The BRCA2 c.4318A>G (p.Lys1440Glu) missense change has a maximum subpopulation frequency of 0.006% in gnomAD v2.1.1. The in silico tool REVEL is inconclusive about a pathogenic or benign effect of this variant on protein function. To our knowledge, this variant has not been reported as pathogenic in individuals with BRCA2-related disease. In summary, the evidence currently available is insufficient to determine the clinical significance of this variant. It has therefore been classified as of uncertain significance.

Ambry Genetics
Classification: Uncertain significance for Hereditary cancer-predisposing syndrome. Last evaluated: 2024-05-31. Review status: criteria provided, single submitter. Criteria: Ambry Variant Classification Scheme 2023. Collection method: clinical testing. Allele origin: germline.
Comment: The p.K1440E variant (also known as c.4318A>G), located in coding exon 10 of the BRCA2 gene, results from an A to G substitution at nucleotide position 4318. The lysine at codon 1440 is replaced by glutamic acid, an amino acid with similar properties. This amino acid position is not well conserved in available vertebrate species. In addition, the in silico prediction for this alteration is inconclusive. Since supporting evidence is limited at this time, the clinical significance of this alteration remains unclear.

All of Us Research Program, National Institutes of Health
Classification: Uncertain significance for Breast-ovarian cancer, familial, susceptibility to, 2. Last evaluated: 2023-12-13. Review status: criteria provided, single submitter. Criteria: ACMG Guidelines, 2015. Collection method: clinical testing. Allele origin: germline. Inheritance: Autosomal dominant inheritance. Observed: 1 variant allele, 1 heterozygote.
Comment: This missense variant replaces lysine with glutamic acid at codon 1440 of the BRCA2 protein. Computational prediction suggests that this variant may not impact protein structure and function (internally defined REVEL score threshold <= 0.5, PMID: 27666373). Functional studies have shown this variant decreases affinity of BRCA2 for RAD51 in mammalian two-hybrid assays (PMID: 23071527). This variant has not been reported in individuals affected with hereditary cancer in the literature. This variant has been identified in 2/242658 chromosomes in the general population by the Genome Aggregation Database (gnomAD). The available evidence is insufficient to determine the role of this variant in disease conclusively. Therefore, this variant is classified as a Variant of Uncertain Significance.

This study involves interpretation of variants in research participants for the purpose of population health screening. Participant phenotype was not available at the time of variant classification. Additional details can be found in publication PMID: 35346344, PMCID: PMC8962531

Color Diagnostics, LLC DBA Color Health
Classification: Uncertain significance for Hereditary cancer-predisposing syndrome. Last evaluated: 2023-10-16. Review status: criteria provided, single submitter. Criteria: ACMG Guidelines, 2015. Collection method: clinical testing. Allele origin: germline.
Comment: This missense variant replaces lysine with glutamic acid at codon 1440 of the BRCA2 protein. Computational prediction suggests that this variant may not impact protein structure and function (internally defined REVEL score threshold <= 0.5, PMID: 27666373). Functional studies have shown this variant decreases affinity of BRCA2 for RAD51 in mammalian two-hybrid assays (PMID: 23071527). This variant has not been reported in individuals affected with hereditary cancer in the literature. This variant has been identified in 2/242658 chromosomes in the general population by the Genome Aggregation Database (gnomAD). The available evidence is insufficient to determine the role of this variant in disease conclusively. Therefore, this variant is classified as a Variant of Uncertain Significance.

University of Washington Department of Laboratory Medicine, University of Washington
Classification: Likely benign for Hereditary cancer-predisposing syndrome. Last evaluated: 2023-03-23. Review status: criteria provided, single submitter. Criteria: Dines et al. (Genet Med. 2020). Collection method: curation. Allele origin: germline.
Comment: Missense variant in a coldspot region where missense variants are very unlikely to be pathogenic (PMID:31911673).

BRCA2 exon 11 coldspot. Reclassification based on statistical prior probability.

Pittsburgh Clinical Genomics Laboratory, University of Pittsburgh Medical Center
Classification: Uncertain significance for Hereditary Breast and Ovarian Cancer Syndrome. Last evaluated: 2018-04-03. Review status: criteria provided, single submitter. Criteria: ACMG Guidelines, 2015. Collection method: clinical testing. Allele origin: germline. Affected: yes. Observed: 1 variant allele.
Comment: This sequence variant is a single nucleotide substitution (A>G) that results in a lysine to glutamic acid amino acid change at residue 1440 in the BRCA2 protein. This variant is rare; it is absent from the ExAC database and found at a frequency of 0.000008385 in the gnomAD database (2/238518 alleles). The residue is found in BRC repeat 3 (BRC3), and in a region required for the activation of polymerase H DNA polymerization activity, but there are no known pathogenic variants characterized in the immediate vicinity. Mammalian two-hybrid capture in vitro studies indicate the BRC3 domain with the K1440E variant has a significant ~60% decrease in affinity for RAD51 (PMID: 23071527). Due to the lack of well-established evidence, it is currently not possible to determine if this variant is pathogenic or benign; thus, it is a variant of uncertain significance.

Counsyl
Classification: Uncertain significance for Breast-ovarian cancer, familial, susceptibility to, 2. Last evaluated: 2017-01-17. Review status: no assertion criteria provided. Collection method: clinical testing. Allele origin: unknown. Not counted in ClinVar's aggregate classification.

Breast Cancer Information Core (BIC) (BRCA2)
Classification: Uncertain significance for Breast-ovarian cancer, familial 2. Last evaluated: 2004-02-20. Review status: no assertion criteria provided. Collection method: clinical testing. Allele origin: germline. Affected: yes. Observed: 1 variant allele. Not counted in ClinVar's aggregate classification.

Literature cited by the submitters: PubMed 10923033 (cited by Labcorp Genetics (formerly Invitae), Labcorp); PubMed 23071527 (cited by 6 submitters); PubMed 25348012 (cited by Counsyl).

NM_000059.4(BRCA2):c.4318A>G (p.Lys1440Glu)

Gene: BRCA2 (BRCA2 DNA repair associated; plus strand). Cytogenetic location: 13q13.1.
Variant type: single nucleotide variant.
Coding change: c.4318A>G on transcript NM_000059.4 (MANE Select); coding-DNA position 4318, A replaced by G.
Protein change: p.Lys1440Glu; replaces lysine 1440 with glutamic acid.
Molecular consequence: missense variant.
Genome position (GRCh38, 1-based): chr13:32,338,673, A>G. VCF-style: chr13-32338673-A-G. GRCh37 (hg19) VCF-style: chr13-32912810-A-G.
Other names: short protein forms K1440E.
Identifiers: ClinVar variation 51631 (VCV000051631.25), dbSNP rs80358668, ClinGen allele CA019972.
Genomic context (GRCh38, chr13:32,338,673, plus strand): 5'-GATTTTGAGACTTCTGATACATTTTTTCAGACTGCAAGTGGGAAAAATATTAGTGTCGCC[A>G]AAGAGTCATTTAATAAAATTGTAAATTTCTTTGATCAGAAACCAGAAGAATTGCATAACT-3'
Protein context (NP_000050.3, residues 1430-1450): TASGKNISVA[Lys1440Glu]ESFNKIVNFF